The following is an entry in ClinVar:

ClinVar aggregate classification (germline): Benign/Likely benign. Review status: criteria provided, multiple submitters, no conflicts (2 of 4 stars). 4 submissions from 4 submitters: Benign (1); Likely benign (2). 1 of the submissions does not count toward it. Last evaluated 2026-07-23.

Conditions:
Adams-Oliver syndrome 5 (AOS5). Identifiers: Orphanet 974, MedGen C4014970, MONDO:0014459, OMIM 616028.
NOTCH1-related disorder. Also called: NOTCH1-related disorders; NOTCH1-related condition.
Familial thoracic aortic aneurysm and aortic dissection (TAAD). Also called: Thoracic aortic aneurysms and dissections. Identifiers: Orphanet 91387, MedGen C4707243, MONDO:0019625.

Allele frequency attached by ClinVar (database versions not stated): ExAC below 0.00001; gnomAD exomes 0.00003 and 0.00008; TOPMed 0.00004; gnomAD 0.00005.
gnomAD v4.1: 125 of 1,608,304 alleles (0.0078%); highest among the groups gnomAD compares: Non-Finnish European, 0.0097%; no homozygotes.

Submissions (4):

Ambry Genetics
Classification: Likely benign for Familial thoracic aortic aneurysm and aortic dissection. Last evaluated: 2026-07-23. Review status: criteria provided, single submitter. Criteria: Ambry Variant Classification Scheme 2023. Collection method: clinical testing. Allele origin: germline.

Labcorp Genetics (formerly Invitae), Labcorp
Classification: Benign for Adams-Oliver syndrome 5. Last evaluated: 2025-04-19. Review status: criteria provided, single submitter. Criteria: Invitae Variant Classification Sherloc (09022015). Collection method: clinical testing. Allele origin: germline.

GeneDx
Classification: Likely benign. Last evaluated: 2019-03-21. Review status: criteria provided, single submitter. Criteria: GeneDx Variant Classification Process June 2021. Collection method: clinical testing. Allele origin: germline. Affected: yes.

PreventionGenetics, part of Exact Sciences
Classification: Likely benign for NOTCH1-related condition. Last evaluated: 2023-12-07. Review status: no assertion criteria provided. Collection method: clinical testing. Allele origin: germline. Not counted in ClinVar's aggregate classification.
Comment: This variant is classified as likely benign based on ACMG/AMP sequence variant interpretation guidelines (Richards et al. 2015 PMID: 25741868, with internal and published modifications).

NM_017617.5(NOTCH1):c.5223G>A (p.Ala1741=)

Gene: NOTCH1 (notch receptor 1; minus strand). Cytogenetic location: 9q34.3.
Variant type: single nucleotide variant.
Coding change: c.5223G>A on transcript NM_017617.5 (MANE Select); coding-DNA position 5223, G replaced by A.
Protein change: p.Ala1741=; no amino-acid change (alanine 1741 retained).
Molecular consequence: synonymous variant.
Genome position (GRCh38, 1-based): chr9:136,502,433, C>T on the plus strand (G>A on the coding strand, the complement: NOTCH1 is on the minus strand). VCF-style: chr9-136502433-C-T. GRCh37 (hg19) VCF-style: chr9-139396885-C-T.
Other names: c.5223G>A, p.Ala1741= (LRG_1122t1); c.5223G>A (NM_017617.4).
Identifiers: ClinVar variation 508856 (VCV000508856.17), dbSNP rs766444406, ClinGen allele CA5340354.